The following is an entry in ClinVar:

NM_001244008.2(KIF1A):c.4110C>A (p.Ser1370=)

Gene: KIF1A (kinesin family member 1A; minus strand). Cytogenetic location: 2q37.3.
Variant type: single nucleotide variant.
Coding change: c.4110C>A on transcript NM_001244008.2 (MANE Select); coding-DNA position 4110, C replaced by A.
Protein change: p.Ser1370=; no amino-acid change (serine 1370 retained).
Molecular consequence: synonymous variant.
Genome position (GRCh38, 1-based): chr2:240,726,838, G>T on the plus strand (C>A on the coding strand, the complement: KIF1A is on the minus strand). VCF-style: chr2-240726838-G-T. GRCh37 (hg19) VCF-style: chr2-241666255-G-T.
Other names: c.3834C>A, p.Ser1278= (NM_001320705.2, NM_001379649.1); c.3861C>A, p.Ser1287= (NM_001330289.2); c.3909C>A, p.Ser1303= (NM_001330290.2, NM_001379648.1); c.4185C>A, p.Ser1395= (NM_001379631.1); c.4086C>A, p.Ser1362= (NM_001379632.1); c.4083C>A, p.Ser1361= (NM_001379633.1, NM_001379645.1); c.3936C>A, p.Ser1312= (NM_001379634.1); c.3933C>A, p.Ser1311= (NM_001379635.1, NM_001379646.1); and 7 more.
Identifiers: ClinVar variation 1520864 (VCV001520864.8), dbSNP rs374134509, ClinGen allele CA432020964.
Genomic context (GRCh38, chr2:240,726,838, plus strand): 5'-TCAGGGGCTGAGTGGTTTTGGTGGAGTGCCCTGGCATAGGTGCCTTGCCTCGATATAAGC[G>T]GAGAGTGTCATGTAGATTTTCTCTCGATAAGGGGTGACCCGGTTCAGCAGGAGAGAGTTG-3'
Protein context (NP_001230937.1, residues 1360-1380): PYREKIYMTL[Ser1370=]AYIEMENCTQ

ClinVar aggregate classification (germline): Uncertain significance (1 of 4 stars; one submission).

Conditions:
Hereditary spastic paraplegia 30. Identifiers: Orphanet 101010, MedGen C5235139, MONDO:0012476.
Neuropathy, hereditary sensory, type 2C. Also called: Hereditary sensory and autonomic neuropathy type IIC; KIF1A-Related HSAN2 (HSAN2C). Identifiers: Orphanet 970, MedGen C3280168, MONDO:0013634, OMIM 614213.
Intellectual disability, autosomal dominant 9 (NESCAVS). Also called: NESCAV SYNDROME; KIF1A-Related Neurodevelopmental Disorder. Identifiers: Orphanet 662367, MedGen C5393830, MONDO:0013656, OMIM 614255.

Submission:

Labcorp Genetics (formerly Invitae), Labcorp
Classification: Uncertain significance for Hereditary spastic paraplegia 30; Neuropathy, hereditary sensory, type 2C; Intellectual disability, autosomal dominant 9. Last evaluated: 2021-03-28. Review status: criteria provided, single submitter. Criteria: Invitae Variant Classification Sherloc (09022015). Collection method: clinical testing. Allele origin: germline.
Comment: This sequence change affects codon 1269 of the KIF1A mRNA. It is a 'silent' change, meaning that it does not change the encoded amino acid sequence of the KIF1A protein. This variant is not present in population databases (ExAC no frequency). This variant has not been reported in the literature in individuals with KIF1A-related conditions. Algorithms developed to predict the effect of sequence changes on RNA splicing suggest that this variant may create or strengthen a splice site, but this prediction has not been confirmed by published transcriptional studies. In summary, the available evidence is currently insufficient to determine the role of this variant in disease. Therefore, it has been classified as a Variant of Uncertain Significance.